The following is an entry in ClinVar:

ClinVar aggregate classification (germline): Likely benign (0 of 4 stars; one submission).

Conditions:
NOTCH2-related disorder. Also called: NOTCH2-related condition.

Submission:

PreventionGenetics, part of Exact Sciences
Classification: Likely benign for NOTCH2-related condition. Last evaluated: 2023-06-10. Review status: no assertion criteria provided. Collection method: clinical testing. Allele origin: germline.
Comment: This variant is classified as likely benign based on ACMG/AMP sequence variant interpretation guidelines (Richards et al. 2015 PMID: 25741868, with internal and published modifications).

NM_024408.4(NOTCH2):c.1986C>T (p.Gly662=)

Gene: NOTCH2 (notch receptor 2; minus strand). Cytogenetic location: 1p12.
Variant type: single nucleotide variant.
Coding change: c.1986C>T on transcript NM_024408.4 (MANE Select); coding-DNA position 1986, C replaced by T.
Protein change: p.Gly662=; no amino-acid change (glycine 662 retained).
Molecular consequence: synonymous variant.
Genome position (GRCh38, 1-based): chr1:119,959,432, G>A on the plus strand (C>T on the coding strand, the complement: NOTCH2 is on the minus strand). VCF-style: chr1-119959432-G-A. GRCh37 (hg19) VCF-style: chr1-120502055-G-A.
Other names: c.1986C>T, p.Gly662= (NM_001200001.2).
Identifiers: ClinVar variation 3053683 (VCV003053683.2), dbSNP rs2526274007, ClinGen allele CA420031039.